The following is an entry in ClinVar:

NM_021008.4(DEAF1):c.716A>G (p.Glu239Gly)

Gene: DEAF1 (DEAF1 transcription factor; minus strand). Cytogenetic location: 11p15.5.
Variant type: single nucleotide variant.
Coding change: c.716A>G on transcript NM_021008.4 (MANE Select); coding-DNA position 716, A replaced by G.
Protein change: p.Glu239Gly; replaces glutamic acid 239 with glycine.
Molecular consequence: missense variant. On other transcripts: 5 prime UTR variant (4), intron variant (1).
Genome position (GRCh38, 1-based): chr11:686,946, T>C on the plus strand (A>G on the coding strand, the complement: DEAF1 is on the minus strand). VCF-style: chr11-686946-T-C. GRCh37 (hg19) VCF-style: chr11-686946-T-C.
Other names: c.-11A>G (NM_001367390.1, NM_001440885.1, NM_001440886.1 and 1 more transcripts); c.716A>G, p.Glu239Gly (NM_001440883.1, NM_001440884.1); c.664+965A>G (NM_001293634.2); short protein forms E239G.
Identifiers: ClinVar variation 422488 (VCV000422488.19), dbSNP rs1064795812, ClinGen allele CA16619391.

ClinVar aggregate classification (germline): Conflicting classifications of pathogenicity. Review status: criteria provided, conflicting classifications (1 of 4 stars). 5 submissions from 5 submitters: Likely pathogenic (3); Uncertain significance (1). 1 of the submissions does not count toward it. Last evaluated 2026-04-20.

Conditions:
Intellectual disability-epilepsy-extrapyramidal syndrome (NEDHELS). Also called: Dyskinesia, seizures, and intellectual developmental disorder. Identifiers: Orphanet 468620, MedGen C4310683, MONDO:0014952, OMIM 617171.

Allele frequency attached by ClinVar (database versions not stated): gnomAD 0.00001; TOPMed 0.00001.

Submissions (5):

Dasa
Classification: Likely pathogenic. Last evaluated: 2026-04-20. Review status: criteria provided, single submitter. Criteria: DASA Assertion Criteria. Collection method: clinical testing. Allele origin: germline.
Comment: NM_021008.4(DEAF1):c.716A>G (p.Glu239Gly) is a missense variant that results in the substitution of glutamic acid with glycine. The affected residue or protein region has prior evidence supporting clinical relevance. This variant has been reported in individuals with DEAF1-related disorders (PMID: 30923367). Functional evidence supports an impact on the gene or gene product (PMID: 30923367). Also, this variant is rare in population databases. Computational evidence supports a deleterious effect. Based on the currently available evidence, this variant is classified as likely pathogenic.

Labcorp Genetics (formerly Invitae), Labcorp
Classification: Likely pathogenic. Last evaluated: 2025-04-30. Review status: criteria provided, single submitter. Criteria: Invitae Variant Classification Sherloc (09022015). Collection method: clinical testing. Allele origin: germline.
Comment: This sequence change replaces glutamic acid, which is acidic and polar, with glycine, which is neutral and non-polar, at codon 239 of the DEAF1 protein (p.Glu239Gly). This variant is not present in population databases (gnomAD no frequency). This missense change has been observed in individual(s) with DEAF1-related conditions (PMID: 30923367). In at least one individual the data is consistent with being in trans (on the opposite chromosome) from a pathogenic variant. ClinVar contains an entry for this variant (Variation ID: 422488). Invitae Evidence Modeling of protein sequence and biophysical properties (such as structural, functional, and spatial information, amino acid conservation, physicochemical variation, residue mobility, and thermodynamic stability) indicates that this missense variant is expected to disrupt DEAF1 protein function with a positive predictive value of 95%. Experimental studies have shown that this missense change does not substantially affect DEAF1 function (PMID: 30923367). In summary, the currently available evidence indicates that the variant is pathogenic, but additional data are needed to prove that conclusively. Therefore, this variant has been classified as Likely Pathogenic.

GeneDx
Classification: Likely pathogenic. Last evaluated: 2024-11-06. Review status: criteria provided, single submitter. Criteria: GeneDx Variant Classification Process June 2021. Collection method: clinical testing. Allele origin: germline. Affected: yes.
Comment: Not observed at significant frequency in large population cohorts (gnomAD); In silico analysis supports that this missense variant has a deleterious effect on protein structure/function; This variant is associated with the following publications: (PMID: 30923367, 39172073)

Mendelics
Classification: Uncertain significance for Intellectual disability-epilepsy-extrapyramidal syndrome. Last evaluated: 2024-05-23. Review status: criteria provided, single submitter. Criteria: Mendelics Assertion Criteria 2017. Collection method: clinical testing. Allele origin: unknown. Inheritance: Autosomal recessive inheritance.
Comment: This substitution has been reported in the medical literature in compound heterozygosity with a nonsense variant in a single individual presenting a neurodevelopmental phenotype. Functional studies performed did not disclose a functional impact for this mutant (no change in transcriptional repression activity or in transcriptional activation of the Eif4g3 promoter, normal localization to the nucleus) (PMID: 30923367). Although this variant might be possibly related to the patient’s phenotype, at this time evidence to confirm this is lacking, and therefore it has been considered of unknown significance.

OMIM
Classification: Pathogenic for NEURODEVELOPMENTAL DISORDER WITH HYPOTONIA, IMPAIRED EXPRESSIVE LANGUAGE, AND SEIZURES. Last evaluated: 2020-06-01. Review status: no assertion criteria provided. Collection method: literature only. Allele origin: germline. Not counted in ClinVar's aggregate classification.

Literature cited by the submitters: PubMed 30923367 (cited by 3 submitters).